The following is an entry in ClinVar:

NM_022124.6(CDH23):c.2289+135C>T

Gene: CDH23 (cadherin related 23; plus strand). Cytogenetic location: 10q22.1.
Variant type: single nucleotide variant.
Coding change: c.2289+135C>T on transcript NM_022124.6 (MANE Select); 135 bases into the intron after coding-DNA position 2289, C replaced by T.
Molecular consequence: intron variant.
Genome position (GRCh38, 1-based): chr10:71,694,394, C>T. VCF-style: chr10-71694394-C-T. GRCh37 (hg19) VCF-style: chr10-73454151-C-T.
Other names: c.2289+135C>T (NM_001171930.2, NM_001171931.2).
Identifiers: ClinVar variation 678769 (VCV000678769.11), dbSNP rs1227078, ClinGen allele CA209445024.

ClinVar aggregate classification (germline): Benign. Review status: criteria provided, multiple submitters, no conflicts (2 of 4 stars). 2 submissions from 2 submitters: Benign (2). Last evaluated 2024-05-06.

Allele frequency attached by ClinVar (database versions not stated): 1000 Genomes Project 30x 0.94394; gnomAD exomes 0.94460; 1000 Genomes Project 0.94728; TOPMed 0.95280; gnomAD 0.95550 and 0.95739.
gnomAD v4.1: 613,462 of 647,540 alleles (95%); highest among the groups gnomAD compares: East Asian, 100%; 291,039 homozygotes.

Submissions (2):

Labcorp Genetics (formerly Invitae), Labcorp
Classification: Benign. Last evaluated: 2024-05-06. Review status: criteria provided, single submitter. Criteria: Invitae Variant Classification Sherloc (09022015). Collection method: clinical testing. Allele origin: germline.

GeneDx
Classification: Benign. Last evaluated: 2018-06-14. Review status: criteria provided, single submitter. Criteria: GeneDx Variant Classification (06012015). Collection method: clinical testing. Allele origin: germline. Affected: yes.
Comment: This variant is considered likely benign or benign based on one or more of the following criteria: it is a conservative change, it occurs at a poorly conserved position in the protein, it is predicted to be benign by multiple in silico algorithms, and/or has population frequency not consistent with disease.